The following is an entry in ClinVar:

ClinVar aggregate classification (germline): Likely benign. Review status: criteria provided, multiple submitters, no conflicts (2 of 4 stars). 3 submissions from 3 submitters: Likely benign (3). Last evaluated 2025-11-24.

Conditions:
Hereditary cancer-predisposing syndrome. Also called: Hereditary Cancer Syndrome; Tumor predisposition; Neoplastic Syndromes, Hereditary; Hereditary neoplastic syndrome. Identifiers: Orphanet 140162, MedGen C0027672, MeSH D009386, MONDO:0015356.
Neuroblastoma, susceptibility to, 3. Also called: ALK-Related Neuroblastic Tumor Susceptibility. Identifiers: Orphanet 635, MedGen C2751681, MONDO:0013083, OMIM 613014.

Allele frequency attached by ClinVar (database versions not stated): gnomAD 0.00002 and 0.00003; TOPMed 0.00003; ExAC 0.00004; gnomAD exomes 0.00004; ESP Exome Variant Server 0.00008.
gnomAD v4.1: 46 of 1,581,140 alleles (0.0029%); highest among the groups gnomAD compares: Non-Finnish European, 0.0037%; no homozygotes.

Submissions (3):

Labcorp Genetics (formerly Invitae), Labcorp
Classification: Likely benign for Neuroblastoma, susceptibility to, 3. Last evaluated: 2025-11-24. Review status: criteria provided, single submitter. Criteria: Invitae Variant Classification Sherloc (09022015). Collection method: clinical testing. Allele origin: germline.

CeGaT Center for Human Genetics Tuebingen
Classification: Likely benign. Last evaluated: 2023-05-01. Review status: criteria provided, single submitter. Criteria: CeGaT Center For Human Genetics Tuebingen Variant Classification Criteria Version 2. Collection method: clinical testing. Allele origin: germline. Affected: yes. Observed: 1 variant allele.
Comment: ALK: BP4, BP7

Ambry Genetics
Classification: Likely benign for Hereditary cancer-predisposing syndrome. Last evaluated: 2022-02-13. Review status: criteria provided, single submitter. Criteria: Ambry Variant Classification Scheme 2023. Collection method: clinical testing. Allele origin: germline.

NM_004304.5(ALK):c.255C>T (p.Pro85=)

Gene: ALK (ALK receptor tyrosine kinase; minus strand). Cytogenetic location: 2p23.1.
Variant type: single nucleotide variant.
Coding change: c.255C>T on transcript NM_004304.5 (MANE Select); coding-DNA position 255, C replaced by T.
Protein change: p.Pro85=; no amino-acid change (proline 85 retained).
Molecular consequence: synonymous variant.
Genome position (GRCh38, 1-based): chr2:29,920,405, G>A on the plus strand (C>T on the coding strand, the complement: ALK is on the minus strand). VCF-style: chr2-29920405-G-A. GRCh37 (hg19) VCF-style: chr2-30143271-G-A.
Identifiers: ClinVar variation 538312 (VCV000538312.39), dbSNP rs372277804, ClinGen allele CA1595017.